The following is an entry in ClinVar:

ClinVar aggregate classification (germline): Uncertain significance (1 of 4 stars; one submission).

Conditions:
Cardiovascular phenotype. Identifiers: MedGen CN230736.

Allele frequency attached by ClinVar (database versions not stated): gnomAD 0.00001.

Submission:

Ambry Genetics
Classification: Uncertain significance for Cardiovascular phenotype. Last evaluated: 2022-10-17. Review status: criteria provided, single submitter. Criteria: Ambry Variant Classification Scheme 2023. Collection method: clinical testing. Allele origin: germline.
Comment: The p.P272L variant (also known as c.815C>T), located in coding exon 3 of the APOA5 gene, results from a C to T substitution at nucleotide position 815. The proline at codon 272 is replaced by leucine, an amino acid with similar properties. This amino acid position is conserved. In addition, this alteration is predicted to be tolerated by in silico analysis. Since supporting evidence is limited at this time, the clinical significance of this alteration remains unclear.

NM_001371904.1(APOA5):c.815C>T (p.Pro272Leu)

Gene: APOA5 (apolipoprotein A5; minus strand). Cytogenetic location: 11q23.3.
Variant type: single nucleotide variant.
Coding change: c.815C>T on transcript NM_001371904.1 (MANE Select); coding-DNA position 815, C replaced by T.
Protein change: p.Pro272Leu; replaces proline 272 with leucine.
Molecular consequence: missense variant.
Genome position (GRCh38, 1-based): chr11:116,790,414, G>A on the plus strand (C>T on the coding strand, the complement: APOA5 is on the minus strand). VCF-style: chr11-116790414-G-A. GRCh37 (hg19) VCF-style: chr11-116661130-G-A.
Other names: c.815C>T, p.Pro272Leu (NM_001166598.2, NM_052968.5); short protein forms P272L.
Identifiers: ClinVar variation 1762211 (VCV001762211.2), dbSNP rs772922485, ClinGen allele CA6288987.